The following is an entry in ClinVar:

NM_003072.5(SMARCA4):c.1946A>T (p.Tyr649Phe)

Gene: SMARCA4 (SWI/SNF related BAF chromatin remodeling complex subunit ATPase 4; plus strand). Cytogenetic location: 19p13.2.
Variant type: single nucleotide variant.
Coding change: c.1946A>T on transcript NM_003072.5 (MANE Select); coding-DNA position 1946, A replaced by T.
Protein change: p.Tyr649Phe; replaces tyrosine 649 with phenylalanine.
Molecular consequence: missense variant. On other transcripts: non-coding transcript variant (1).
Genome position (GRCh38, 1-based): chr19:11,003,342, A>T. VCF-style: chr19-11003342-A-T. GRCh37 (hg19) VCF-style: chr19-11114018-A-T.
Other names: c.1946A>T, p.Tyr649Phe (NM_001128844.3, NM_001128845.2, NM_001128846.2 and 5 more transcripts); short protein forms Y649F.
Identifiers: ClinVar variation 1059205 (VCV001059205.9), dbSNP rs2146108000, ClinGen allele CA404052015.

ClinVar aggregate classification (germline): Uncertain significance (1 of 4 stars; one submission).

Conditions:
Rhabdoid tumor predisposition syndrome 2 (RTPS2). Identifiers: Orphanet 231108, Orphanet 69077, MedGen C2750074, MONDO:0013224, OMIM 613325.

gnomAD v4.1: 2 of 1,613,898 alleles (0.00012%); no homozygotes.

Submission:

Labcorp Genetics (formerly Invitae), Labcorp
Classification: Uncertain significance for Rhabdoid tumor predisposition syndrome 2. Last evaluated: 2020-10-26. Review status: criteria provided, single submitter. Criteria: Invitae Variant Classification Sherloc (09022015). Collection method: clinical testing. Allele origin: germline.
Comment: In summary, the available evidence is currently insufficient to determine the role of this variant in disease. Therefore, it has been classified as a Variant of Uncertain Significance. Algorithms developed to predict the effect of missense changes on protein structure and function are either unavailable or do not agree on the potential impact of this missense change (SIFT: "Deleterious"; PolyPhen-2: "Benign"; Align-GVGD: "Class C15"). This variant has not been reported in the literature in individuals with SMARCA4-related conditions. This variant is not present in population databases (ExAC no frequency). This sequence change replaces tyrosine with phenylalanine at codon 649 of the SMARCA4 protein (p.Tyr649Phe). The tyrosine residue is highly conserved and there is a small physicochemical difference between tyrosine and phenylalanine.